The following is an entry in ClinVar:

ClinVar aggregate classification (germline): Benign/Likely benign. Review status: criteria provided, multiple submitters, no conflicts (2 of 4 stars). 8 submissions from 8 submitters: Benign (1); Likely benign (6). 1 of the submissions does not count toward it. Last evaluated 2025-11-19.

Conditions:
TSC2-related disorder. Also called: TSC2-related condition; TSC2-Related Disorders.
Hereditary cancer-predisposing syndrome. Also called: Neoplastic Syndromes, Hereditary; Hereditary neoplastic syndrome; Tumor predisposition; Hereditary Cancer Syndrome. Identifiers: Orphanet 140162, MedGen C0027672, MeSH D009386, MONDO:0015356.
Tuberous sclerosis syndrome (TSC). Also called: Tuberous Sclerosis Complex; Tuberous sclerosis. Identifiers: Orphanet 805, MedGen C0041341, MONDO:0001734.
Tuberous sclerosis 2 (TSC2). Identifiers: Orphanet 805, MedGen C1860707, MONDO:0013199, OMIM 613254.

Allele frequency attached by ClinVar (database versions not stated): gnomAD 0.00002 and 0.00003; TOPMed 0.00002; gnomAD exomes 0.00003.
gnomAD v4.1: 48 of 1,609,392 alleles (0.003%); highest among the groups gnomAD compares: South Asian, 0.0055%; 1 homozygote.

Submissions (8):

Labcorp Genetics (formerly Invitae), Labcorp
Classification: Likely benign for Tuberous sclerosis 2. Last evaluated: 2025-11-19. Review status: criteria provided, single submitter. Criteria: Invitae Variant Classification Sherloc (09022015). Collection method: clinical testing. Allele origin: germline.

Myriad Genetics, Inc.
Classification: Benign for Tuberous sclerosis 2. Last evaluated: 2025-06-03. Review status: criteria provided, single submitter. Criteria: Myriad Autosomal Dominant, Autosomal Recessive and X-Linked Classification Criteria (2023). Collection method: clinical testing. Allele origin: unknown.
Comment: This variant is considered benign. This variant is a silent/synonymous amino acid change and it is not expected to impact splicing.

All of Us Research Program, National Institutes of Health
Classification: Likely benign for Tuberous sclerosis syndrome. Last evaluated: 2023-11-02. Review status: criteria provided, single submitter. Criteria: ACMG Guidelines, 2015. Collection method: clinical testing. Allele origin: germline. Inheritance: Autosomal dominant inheritance. Observed: 8 variant alleles, 8 heterozygotes.
Comment: This study involves interpretation of variants in research participants for the purpose of population health screening. Participant phenotype was not available at the time of variant classification. Additional details can be found in publication PMID: 35346344, PMCID: PMC8962531

Color Diagnostics, LLC DBA Color Health
Classification: Likely benign for Tuberous sclerosis syndrome. Last evaluated: 2022-10-07. Review status: criteria provided, single submitter. Criteria: ACMG Guidelines, 2015. Collection method: clinical testing. Allele origin: germline.

Genome-Nilou Lab
Classification: Likely benign for Tuberous sclerosis 2. Last evaluated: 2021-11-07. Review status: criteria provided, single submitter. Criteria: ACMG Guidelines, 2015. Collection method: clinical testing. Allele origin: germline. Affected: no.

GeneDx
Classification: Likely benign. Last evaluated: 2021-04-27. Review status: criteria provided, single submitter. Criteria: GeneDx Variant Classification Process June 2021. Collection method: clinical testing. Allele origin: germline. Affected: yes.

Ambry Genetics
Classification: Likely benign for Hereditary cancer-predisposing syndrome. Last evaluated: 2017-12-27. Review status: criteria provided, single submitter. Criteria: Ambry Variant Classification Scheme 2023. Collection method: clinical testing. Allele origin: germline.

PreventionGenetics, part of Exact Sciences
Classification: Likely benign for TSC2-related condition. Last evaluated: 2023-04-17. Review status: no assertion criteria provided. Collection method: clinical testing. Allele origin: germline. Not counted in ClinVar's aggregate classification.
Comment: This variant is classified as likely benign based on ACMG/AMP sequence variant interpretation guidelines (Richards et al. 2015 PMID: 25741868, with internal and published modifications).

NM_000548.5(TSC2):c.4218C>T (p.Asp1406=)

Gene: TSC2 (TSC complex subunit 2; plus strand). Cytogenetic location: 16p13.3.
Variant type: single nucleotide variant.
Coding change: c.4218C>T on transcript NM_000548.5 (MANE Select); coding-DNA position 4218, C replaced by T.
Protein change: p.Asp1406=; no amino-acid change (aspartic acid 1406 retained).
Molecular consequence: synonymous variant.
Genome position (GRCh38, 1-based): chr16:2,084,440, C>T. VCF-style: chr16-2084440-C-T. GRCh37 (hg19) VCF-style: chr16-2134441-C-T.
Other names: c.4017C>T, p.Asp1339= (NM_001077183.3); c.4149C>T, p.Asp1383= (NM_001114382.3); c.3909C>T, p.Asp1303= (NM_001318827.2); c.3873C>T, p.Asp1291= (NM_001318829.2); c.3486C>T, p.Asp1162= (NM_001318831.2); c.4050C>T, p.Asp1350= (NM_001318832.2); c.4020C>T, p.Asp1340= (NM_001363528.2); c.4086C>T, p.Asp1362= (NM_001370404.1); and 2 more.
Identifiers: ClinVar variation 318329 (VCV000318329.29), dbSNP rs886051794, ClinGen allele CA10647144.